The following is an entry in ClinVar:

ClinVar aggregate classification (germline): Likely benign (0 of 4 stars; one submission).

Conditions:
FOXD1-related disorder. Also called: FOXD1-related condition.

Allele frequency attached by ClinVar (database versions not stated): ExAC 0.00056; ESP Exome Variant Server 0.00089; 1000 Genomes Project 30x 0.00109; gnomAD 0.00127; 1000 Genomes Project 0.00140.
gnomAD v4.1: 355 of 1,602,274 alleles (0.022%); highest among the groups gnomAD compares: African/African-American, 0.42%; 2 homozygotes.

Submission:

PreventionGenetics, part of Exact Sciences
Classification: Likely benign for FOXD1-related condition. Last evaluated: 2019-09-25. Review status: no assertion criteria provided. Collection method: clinical testing. Allele origin: germline.
Comment: This variant is classified as likely benign based on ACMG/AMP sequence variant interpretation guidelines (Richards et al. 2015 PMID: 25741868, with internal and published modifications).

NM_004472.3(FOXD1):c.681C>A (p.Leu227=)

Gene: FOXD1 (forkhead box D1; minus strand). Cytogenetic location: 5q13.2.
Variant type: single nucleotide variant.
Coding change: c.681C>A on transcript NM_004472.3 (MANE Select); coding-DNA position 681, C replaced by A.
Protein change: p.Leu227=; no amino-acid change (leucine 227 retained).
Molecular consequence: synonymous variant.
Genome position (GRCh38, 1-based): chr5:73,447,682, G>T on the plus strand (C>A on the coding strand, the complement: FOXD1 is on the minus strand). VCF-style: chr5-73447682-G-T. GRCh37 (hg19) VCF-style: chr5-72743507-G-T.
Identifiers: ClinVar variation 3039829 (VCV003039829.2), dbSNP rs367705300, ClinGen allele CA3303034.